The following is an entry in ClinVar:

ClinVar aggregate classification (germline): Uncertain significance (1 of 4 stars; one submission).

Conditions:
Atrial fibrillation, familial, 18 (ATFB18). Identifiers: MedGen C4310636, MONDO:0015001, OMIM 617280.

Submission:

Labcorp Genetics (formerly Invitae), Labcorp
Classification: Uncertain significance for Atrial fibrillation, familial, 18. Last evaluated: 2025-01-20. Review status: criteria provided, single submitter. Criteria: Invitae Variant Classification Sherloc (09022015). Collection method: clinical testing. Allele origin: germline.
Comment: This sequence change replaces glycine, which is neutral and non-polar, with glutamic acid, which is acidic and polar, at codon 163 of the MYL4 protein (p.Gly163Glu). This variant is not present in population databases (gnomAD no frequency). This variant has not been reported in the literature in individuals affected with MYL4-related conditions. An algorithm developed to predict the effect of missense changes on protein structure and function (PolyPhen-2) suggests that this variant is likely to be disruptive. Algorithms developed to predict the effect of sequence changes on RNA splicing suggest that this variant may disrupt the consensus splice site. In summary, the available evidence is currently insufficient to determine the role of this variant in disease. Therefore, it has been classified as a Variant of Uncertain Significance.

NM_002476.2(MYL4):c.488G>A (p.Gly163Glu)

Gene: MYL4 (myosin light chain 4; plus strand). Cytogenetic location: 17q21.32.
Variant type: single nucleotide variant.
Coding change: c.488G>A on transcript NM_002476.2 (MANE Select); coding-DNA position 488, G replaced by A.
Protein change: p.Gly163Glu; replaces glycine 163 with glutamic acid.
Molecular consequence: missense variant.
Genome position (GRCh38, 1-based): chr17:47,222,380, G>A. VCF-style: chr17-47222380-G-A. GRCh37 (hg19) VCF-style: chr17-45299746-G-A.
Other names: c.488G>A, p.Gly163Glu (NM_001002841.2); short protein forms G163E.
Identifiers: ClinVar variation 3697778 (VCV003697778.2).